The following is an entry in ClinVar:

NM_020919.4(ALS2):c.1016A>G (p.Tyr339Cys)

Gene: ALS2 (alsin Rho guanine nucleotide exchange factor ALS2; minus strand). Cytogenetic location: 2q33.1.
Variant type: single nucleotide variant.
Coding change: c.1016A>G on transcript NM_020919.4 (MANE Select); coding-DNA position 1016, A replaced by G.
Protein change: p.Tyr339Cys; replaces tyrosine 339 with cysteine.
Molecular consequence: missense variant.
Genome position (GRCh38, 1-based): chr2:201,760,978, T>C on the plus strand (A>G on the coding strand, the complement: ALS2 is on the minus strand). VCF-style: chr2-201760978-T-C. GRCh37 (hg19) VCF-style: chr2-202625701-T-C.
Other names: c.1016A>G, p.Tyr339Cys (NM_001135745.2); short protein forms Y339C.
Identifiers: ClinVar variation 863421 (VCV000863421.1), dbSNP rs1693728773, ClinGen allele CA350327606.

ClinVar aggregate classification (germline): Uncertain significance (1 of 4 stars; one submission).

Conditions:
Infantile-onset ascending hereditary spastic paralysis (IAHSP). Also called: Autosomal Recessive Juvenile Amyotrophic Lateral Sclerosis; Infantile-Onset Ascending Hereditary Spastic Paralysis (IAHSP). Identifiers: Orphanet 293168, MedGen C2931441, MONDO:0011797, OMIM 607225. Disease mechanism: loss of function.

Submission:

Labcorp Genetics (formerly Invitae), Labcorp
Classification: Uncertain significance for Infantile-onset ascending hereditary spastic paralysis. Last evaluated: 2019-11-19. Review status: criteria provided, single submitter. Criteria: Invitae Variant Classification Sherloc (09022015). Collection method: clinical testing. Allele origin: germline.
Comment: This sequence change replaces tyrosine with cysteine at codon 339 of the ALS2 protein (p.Tyr339Cys). The tyrosine residue is weakly conserved and there is a large physicochemical difference between tyrosine and cysteine. This variant is not present in population databases (ExAC no frequency). This variant has not been reported in the literature in individuals with ALS2-related conditions. Algorithms developed to predict the effect of missense changes on protein structure and function (SIFT, PolyPhen-2, Align-GVGD) all suggest that this variant is likely to be tolerated, but these predictions have not been confirmed by published functional studies and their clinical significance is uncertain. In summary, the available evidence is currently insufficient to determine the role of this variant in disease. Therefore, it has been classified as a Variant of Uncertain Significance.